The following is an entry in ClinVar:

NM_006147.4(IRF6):c.647_650dup (p.Trp217fs)

Gene: IRF6 (interferon regulatory factor 6; minus strand). Cytogenetic location: 1q32.2.
Variant type: Microsatellite.
Coding change: c.647_650dup on transcript NM_006147.4 (MANE Select); coding-DNA positions 647 to 650, 4 bases duplicated (TGTG; older notation c.647_650dupTGTG).
Protein change: p.Trp217fs; shifts the reading frame from tryptophan 217.
Molecular consequence: frameshift variant.
Genome position (GRCh38, 1-based): chr1:209,792,286-209,792,289, CACA duplicated on the plus strand (TGTG on the coding strand, the reverse complement: IRF6 is on the minus strand). VCF-style (leftmost placement, unchanged base first): chr1-209792285-C-CCACA. GRCh37 (hg19) VCF-style: chr1-209965630-C-CCACA.
Other names: c.362_365dup, p.Trp122fs (NM_001206696.2); short protein forms W122fs, W217fs.
Identifiers: ClinVar variation 1456673 (VCV001456673.6), dbSNP rs2102538567, ClinGen allele CA2580611224.

ClinVar aggregate classification (germline): Pathogenic (1 of 4 stars; one submission).

Conditions:
Van der Woude syndrome. Identifiers: Orphanet 888, MedGen C0175697, MONDO:0019508.
Popliteal pterygium syndrome (PPS). Identifiers: Orphanet 294963, MedGen C0265259, MONDO:0017435.
Orofacial cleft 6, susceptibility to (OFC6). Also called: CLEFT LIP WITH OR WITHOUT CLEFT PALATE, NONSYNDROMIC, 6. Identifiers: MedGen C1837213, MONDO:0012141, OMIM 608864.

Submission:

Labcorp Genetics (formerly Invitae), Labcorp
Classification: Pathogenic for Orofacial cleft 6, susceptibility to; Van der Woude syndrome; Popliteal pterygium syndrome. Last evaluated: 2021-06-14. Review status: criteria provided, single submitter. Criteria: Invitae Variant Classification Sherloc (09022015). Collection method: clinical testing. Allele origin: germline.
Comment: For these reasons, this variant has been classified as Pathogenic. This variant has not been reported in the literature in individuals with IRF6-related conditions. This variant is not present in population databases (ExAC no frequency). This sequence change creates a premature translational stop signal (p.Trp217Cysfs*10) in the IRF6 gene. It is expected to result in an absent or disrupted protein product. Loss-of-function variants in IRF6 are known to be pathogenic (PMID: 19282774, 23949966).

Literature cited by the submitters: PubMed 19282774; PubMed 23949966.